The following is an entry in ClinVar:

ClinVar aggregate classification (germline): Likely pathogenic (1 of 4 stars; one submission).

Conditions:
Autosomal recessive limb-girdle muscular dystrophy type 2J (LGMDR10). Also called: Limb-girdle muscular dystrophy, type 2J; MUSCULAR DYSTROPHY, LIMB-GIRDLE, AUTOSOMAL RECESSIVE 10. Identifiers: Orphanet 140922, MedGen C1837342, MONDO:0012127, OMIM 608807.
Dilated cardiomyopathy 1G (CMD1G). Identifiers: Orphanet 154, MedGen C1858763, MONDO:0011400, OMIM 604145.

Submission:

Labcorp Genetics (formerly Invitae), Labcorp
Classification: Likely pathogenic for Dilated cardiomyopathy 1G; Autosomal recessive limb-girdle muscular dystrophy type 2J. Last evaluated: 2024-11-04. Review status: criteria provided, single submitter. Criteria: Invitae Variant Classification Sherloc (09022015). Collection method: clinical testing. Allele origin: germline.
Comment: This sequence change creates a premature translational stop signal (p.Leu4252Serfs*17) in the TTN gene. While this is not anticipated to result in nonsense mediated decay, it is expected to create a truncated TTN protein. This variant is not present in population databases (gnomAD no frequency). This variant has not been reported in the literature in individuals affected with TTN-related conditions. ClinVar contains an entry for this variant (Variation ID: 2122429). This variant is located in the I band of TTN (PMID: 25589632). Truncating variants in this region have been reported in individuals affected with autosomal recessive centronuclear myopathy (PMID: 23975875, internal data). Truncating variants in this region have also been identified in individuals affected with autosomal dominant dilated cardiomyopathy and/or cardio-related conditions (PMID: 27869827, 32964742, internal data). In summary, the currently available evidence indicates that the variant is pathogenic, but additional data are needed to prove that conclusively. Therefore, this variant has been classified as Likely Pathogenic.

Literature cited by the submitters: PubMed 25589632; PubMed 23975875; PubMed 27869827; PubMed 32964742.

NM_001267550.2(TTN):c.12754_12755del (p.Leu4252fs)

Gene: TTN (titin; minus strand). Cytogenetic location: 2q31.2.
Variant type: Microsatellite.
Coding change: c.12754_12755del on transcript NM_001267550.2 (MANE Select); coding-DNA positions 12754 to 12755, 2 bases deleted (CT; older notation c.12754_12755delCT).
Protein change: p.Leu4252fs; shifts the reading frame from leucine 4252.
Molecular consequence: frameshift variant. On other transcripts: intron variant (1).
Genome position (GRCh38, 1-based): chr2:178,740,478-178,740,479, AG deleted on the plus strand (CT on the coding strand, the reverse complement: TTN is on the minus strand); deleting any 2 consecutive bases within chr2:178,740,478-178,740,481 gives the same sequence; the c. name uses the placement nearest the transcript's 3' end. VCF-style (leftmost placement, unchanged base first): chr2-178740477-AAG-A. GRCh37 (hg19) VCF-style: chr2-179605204-AAG-A.
Other names: c.11803_11804del, p.Leu3935fs (NM_001256850.1); c.11665_11666del, p.Leu3889fs (NM_003319.4); c.12040_12041del, p.Leu4014fs (NM_133432.3); c.12241_12242del, p.Leu4081fs (NM_133437.4); c.10361-2119_10361-2118del (NM_133378.4); short protein forms L3889fs, L4252fs, L3935fs, L4014fs, L4081fs.
Identifiers: ClinVar variation 2122429 (VCV002122429.4), dbSNP rs2530663182, ClinGen allele CA2580616631.